The following is an entry in ClinVar:

NM_001292063.2(OTOG):c.3183A>C (p.Thr1061=)

Gene: OTOG (otogelin; plus strand). Cytogenetic location: 11p15.1.
Variant type: single nucleotide variant.
Coding change: c.3183A>C on transcript NM_001292063.2 (MANE Select); coding-DNA position 3183, A replaced by C.
Protein change: p.Thr1061=; no amino-acid change (threonine 1061 retained).
Molecular consequence: synonymous variant.
Genome position (GRCh38, 1-based): chr11:17,593,651, A>C. VCF-style: chr11-17593651-A-C. GRCh37 (hg19) VCF-style: chr11-17615198-A-C.
Other names: c.3219A>C, p.Thr1073= (NM_001277269.2).
Identifiers: ClinVar variation 666735 (VCV000666735.8), dbSNP rs780180476, ClinGen allele CA5905707.
Genomic context (GRCh38, chr11:17,593,651, plus strand): 5'-ACCATCTCTGTCCCTCTAGAGTCCAGAGAGCTTCCTGGATGACAAGCAGGAGGTCCACAC[A>C]TGGCGAGTGGGATTTTTCACACTGGTGCATTTCCCACAGGAGCACATCACCCTCTTGTGG-3'
Protein context (NP_001278992.1, residues 1051-1071): SFLDDKQEVH[Thr1061=]WRVGFFTLVH

ClinVar aggregate classification (germline): Likely benign. Review status: criteria provided, multiple submitters, no conflicts (2 of 4 stars). 2 submissions from 2 submitters: Likely benign (2). Last evaluated 2024-10-26.

Allele frequency attached by ClinVar (database versions not stated): gnomAD 0.00001; gnomAD exomes 0.00001; TOPMed 0.00003; ExAC 0.00007.
gnomAD v4.1: 2 of 1,549,010 alleles (0.00013%); highest among the groups gnomAD compares: African/African-American, 0.0027%; no homozygotes.

Submissions (2):

Labcorp Genetics (formerly Invitae), Labcorp
Classification: Likely benign. Last evaluated: 2024-10-26. Review status: criteria provided, single submitter. Criteria: Invitae Variant Classification Sherloc (09022015). Collection method: clinical testing. Allele origin: germline.

Laboratory for Molecular Medicine, Mass General Brigham Personalized Medicine
Classification: Likely benign. Last evaluated: 2017-08-23. Review status: criteria provided, single submitter. Criteria: LMM Criteria. Collection method: clinical testing. Allele origin: germline. Observed: 1 variant allele.
Comment: p.Thr1073Thr in exon 26 of OTOG: This variant is not expected to have clinical s ignificance because it does not alter an amino acid residue and is not located w ithin the splice consensus sequence. It has been identified in 1/5084 European c hromosomes by the Exome Aggregation Consortium (ExAC .org; dbSNP rs780180476).